The following is an entry in ClinVar:

ClinVar aggregate classification (germline): Uncertain significance. Review status: criteria provided, multiple submitters, no conflicts (2 of 4 stars). 2 submissions from 2 submitters: Uncertain significance (2). Last evaluated 2025-03-26.

Conditions:
Agammaglobulinemia 4, autosomal recessive (AGM4). Also called: AGAMMAGLOBULINEMIA, AUTOSOMAL RECESSIVE, DUE TO BLNK DEFECT; B cell linker protein deficiency. Identifiers: MedGen C3150752, MONDO:0013289, OMIM 613502.
Inborn genetic diseases. Identifiers: MedGen C0950123, MeSH D030342.

Allele frequency attached by ClinVar (database versions not stated): gnomAD 0.00001; TOPMed 0.00003; ExAC 0.00012; gnomAD exomes 0.00010.
gnomAD v4.1: 26 of 1,614,038 alleles (0.0016%); highest among the groups gnomAD compares: Admixed American, 0.042%; no homozygotes.

Submissions (2):

Ambry Genetics
Classification: Uncertain significance for Inborn genetic diseases. Last evaluated: 2025-03-26. Review status: criteria provided, single submitter. Criteria: Ambry Variant Classification Scheme 2023. Collection method: clinical testing. Allele origin: germline.

Labcorp Genetics (formerly Invitae), Labcorp
Classification: Uncertain significance for Agammaglobulinemia 4, autosomal recessive. Last evaluated: 2021-12-27. Review status: criteria provided, single submitter. Criteria: Invitae Variant Classification Sherloc (09022015). Collection method: clinical testing. Allele origin: germline.
Comment: This sequence change replaces serine, which is neutral and polar, with cysteine, which is neutral and slightly polar, at codon 12 of the BLNK protein (p.Ser12Cys). This variant is present in population databases (rs201052118, gnomAD 0.04%). This variant has not been reported in the literature in individuals affected with BLNK-related conditions. ClinVar contains an entry for this variant (Variation ID: 1052961). Algorithms developed to predict the effect of missense changes on protein structure and function are either unavailable or do not agree on the potential impact of this missense change (SIFT: "Tolerated"; PolyPhen-2: "Probably Damaging"; Align-GVGD: "Class C0"). In summary, the available evidence is currently insufficient to determine the role of this variant in disease. Therefore, it has been classified as a Variant of Uncertain Significance.

NM_013314.4(BLNK):c.34A>T (p.Ser12Cys)

Gene: BLNK (B cell linker; minus strand). Cytogenetic location: 10q24.1.
Variant type: single nucleotide variant.
Coding change: c.34A>T on transcript NM_013314.4 (MANE Select); coding-DNA position 34, A replaced by T.
Protein change: p.Ser12Cys; replaces serine 12 with cysteine.
Molecular consequence: missense variant. On other transcripts: non-coding transcript variant (4).
Genome position (GRCh38, 1-based): chr10:96,271,365, T>A on the plus strand (A>T on the coding strand, the complement: BLNK is on the minus strand). VCF-style: chr10-96271365-T-A. GRCh37 (hg19) VCF-style: chr10-98031122-T-A.
Other names: c.34A>T, p.Ser12Cys (NM_001114094.2, NM_001258440.2, NM_001258441.2 and 1 more transcripts); c.34A>T (NM_013314.3); short protein forms S12C.
Identifiers: ClinVar variation 1052961 (VCV001052961.8), dbSNP rs201052118, ClinGen allele CA5623637.
Genomic context (GRCh38, chr10:96,271,365, plus strand): 5'-GGGAAAAAAAGGAGATGAAGAAGGGTATTGGGTGGGGAAAATCTTACCTCAACTTCTGAC[T>A]GGCGGGGACGGTTATTTTATTAAGCTTGTCCATTCTGTTTGGTAATTGTAAGAGACACGA-3'
Protein context (NP_037446.1, residues 2-22): DKLNKITVPA[Ser12Cys]QKLRQLQKMV